The following is an entry in ClinVar:

NM_152564.5(VPS13B):c.3183G>T (p.Trp1061Cys)

Gene: VPS13B (vacuolar protein sorting 13 homolog B; plus strand). Cytogenetic location: 8q22.2.
Variant type: single nucleotide variant.
Coding change: c.3183G>T on transcript NM_152564.5 (MANE Select); coding-DNA position 3183, G replaced by T.
Protein change: p.Trp1061Cys; replaces tryptophan 1061 with cysteine.
Molecular consequence: missense variant.
Genome position (GRCh38, 1-based): chr8:99,431,637, G>T. VCF-style: chr8-99431637-G-T. GRCh37 (hg19) VCF-style: chr8-100443865-G-T.
Other names: c.3183G>T, p.Trp1061Cys (NM_017890.5); short protein forms W1061C.
Identifiers: ClinVar variation 1029495 (VCV001029495.1), dbSNP rs1817118329, ClinGen allele CA371868365.

ClinVar aggregate classification (germline): Uncertain significance (1 of 4 stars; one submission).

Conditions:
Cohen syndrome (COH1). Also called: PEPPER SYNDROME; Cutis verticis gyrata, retinitis pigmentosa, and sensorineural deafness. Identifiers: Orphanet 193, MedGen C0265223, MONDO:0008999, OMIM 216550.

Submission:

Baylor Genetics
Classification: Uncertain significance for Cohen syndrome. Last evaluated: 2019-04-26. Review status: criteria provided, single submitter. Criteria: ACMG Guidelines, 2015. Collection method: clinical testing. Allele origin: paternal. Affected: yes.
Comment: This variant was determined to be of uncertain significance according to ACMG Guidelines, 2015 [PMID:25741868].